The following is an entry in ClinVar:

NM_003072.5(SMARCA4):c.4038G>T (p.Trp1346Cys)

Gene: SMARCA4 (SWI/SNF related BAF chromatin remodeling complex subunit ATPase 4; plus strand). Cytogenetic location: 19p13.2.
Variant type: single nucleotide variant.
Coding change: c.4038G>T on transcript NM_003072.5 (MANE Select); coding-DNA position 4038, G replaced by T.
Protein change: p.Trp1346Cys; replaces tryptophan 1346 with cysteine.
Molecular consequence: missense variant. On other transcripts: non-coding transcript variant (1).
Genome position (GRCh38, 1-based): chr19:11,035,000, G>T. VCF-style: chr19-11035000-G-T. GRCh37 (hg19) VCF-style: chr19-11145676-G-T.
Other names: c.4038G>T, p.Trp1346Cys (NM_001128844.3, NM_001128849.3, NM_001387283.1); c.3939G>T, p.Trp1313Cys (NM_001128845.2, NM_001128846.2, NM_001128847.4 and 3 more transcripts); short protein forms W1313C, W1346C.
Identifiers: ClinVar variation 2758242 (VCV002758242.4), dbSNP rs2146699322, ClinGen allele CA404068174.
Genomic context (GRCh38, chr19:11,035,000, plus strand): 5'-GGAGGCCCGCAACCCCAAGCGGAAGCCGCGCCTCATGGAGGAGGACGAGCTCCCCTCGTG[G>T]ATCATCAAGGACGACGCGGAGGTGGAGCGGCTGACCTGTGAGGAGGAGGAGGAGAAGATG-3'
Protein context (NP_003063.2, residues 1336-1356): RLMEEDELPS[Trp1346Cys]IIKDDAEVER

ClinVar aggregate classification (germline): Uncertain significance (1 of 4 stars; one submission).
ClinVar aggregate classification (somatic clinical impact): Tier I - Strong (1 of 4 stars; one submission).

Conditions:
Rhabdoid tumor predisposition syndrome 2 (RTPS2). Identifiers: Orphanet 231108, Orphanet 69077, MedGen C2750074, MONDO:0013224, OMIM 613325.
Medulloblastoma WNT activated. Identifiers: MedGen C4331965, MONDO:0850196.

Submissions (2):

Institute for Genomic Medicine (IGM) Clinical Laboratory, Nationwide Children's Hospital
Classification: Tier I - Strong for Medulloblastoma WNT activated. Assertion type: diagnostic. Clinical significance: supports diagnosis. Last evaluated: 2025-02-23. Review status: criteria provided, single submitter. Criteria: AMP/ASCO/CAP Guidelines, 2017. Collection method: clinical testing. Allele origin: somatic. Affected: yes.
Comment: Variant has Tier I (strong) clinical significance as a diagnostic inclusion criterion in medulloblastoma WNT activated, based on the following evidence: 1) Documented in one or more cancer databases (e.g., St. Jude Pecan, COSMIC, CIViC, OncoKB). 2) Appears in one or more well-established professional guidelines (e.g., World Health Organization [WHO]; National Comprehensive Cancer Network [NCCN]) as providing diagnostic, prognostic, or therapeutic information. 3) Diagnostic for a specific tumor type/classification based on well-powered studies with expert-level consensus (Evidence Level B; PMIDs: 22820256, 22832583, 23432644, 28726821).

Labcorp Genetics (formerly Invitae), Labcorp
Classification: Uncertain significance for Rhabdoid tumor predisposition syndrome 2. Last evaluated: 2023-09-05. Review status: criteria provided, single submitter. Criteria: Invitae Variant Classification Sherloc (09022015). Collection method: clinical testing. Allele origin: germline.
Comment: This sequence change replaces tryptophan, which is neutral and slightly polar, with cysteine, which is neutral and slightly polar, at codon 1346 of the SMARCA4 protein (p.Trp1346Cys). This variant is not present in population databases (gnomAD no frequency). In summary, the available evidence is currently insufficient to determine the role of this variant in disease. Therefore, it has been classified as a Variant of Uncertain Significance. Advanced modeling of protein sequence and biophysical properties (such as structural, functional, and spatial information, amino acid conservation, physicochemical variation, residue mobility, and thermodynamic stability) performed at Invitae indicates that this missense variant is expected to disrupt SMARCA4 protein function. This variant has not been reported in the literature in individuals affected with SMARCA4-related conditions.

Literature cited by the submitters: PubMed 22820256 (cited by Institute for Genomic Medicine (IGM) Clinical Laboratory, Nationwide Children's Hospital); PubMed 22832583 (cited by Institute for Genomic Medicine (IGM) Clinical Laboratory, Nationwide Children's Hospital); PubMed 23432644 (cited by Institute for Genomic Medicine (IGM) Clinical Laboratory, Nationwide Children's Hospital); PubMed 28726821 (cited by Institute for Genomic Medicine (IGM) Clinical Laboratory, Nationwide Children's Hospital).